The following is an entry in ClinVar:

NM_001202.6(BMP4):c.*251C>T

Gene: BMP4 (bone morphogenetic protein 4; minus strand). Cytogenetic location: 14q22.2.
Variant type: single nucleotide variant.
Coding change: c.*251C>T on transcript NM_001202.6 (MANE Select); 251 bases downstream of the stop codon, C replaced by T.
Molecular consequence: 3 prime UTR variant.
Genome position (GRCh38, 1-based): chr14:53,949,781, G>A on the plus strand (C>T on the coding strand, the complement: BMP4 is on the minus strand). VCF-style: chr14-53949781-G-A. GRCh37 (hg19) VCF-style: chr14-54416499-G-A.
Other names: c.*251C>T (NM_001347912.1, NM_001347913.2, NM_001347914.2 and 5 more transcripts).
Identifiers: ClinVar variation 313336 (VCV000313336.6), dbSNP rs573118445, ClinGen allele CA10640282.
Genomic context (GRCh38, chr14:53,949,781, plus strand): 5'-AAAAAAAAATCATGATTTACCTTTAAAATAATGACTCATTTTATTTTTTTCTTTTAATAC[G>A]TAGTTATAAATATATTTTGTCAAAATATATGATCAATATGGTCAAAACATTTGCACGTAA-3'

ClinVar aggregate classification (germline): Benign/Likely benign. Review status: criteria provided, single submitter (1 of 4 stars). 2 submissions from 1 submitter: Benign (1); Likely benign (1). Last evaluated 2018-01-13.

Conditions:
Orofacial cleft 11 (OFC11). Also called: Orofacial cleft 11; ofc11; CLEFT LIP WITH OR WITHOUT CLEFT PALATE, NONSYNDROMIC, 11. Identifiers: MedGen C2677434, MONDO:0010906, OMIM 600625.
Microphthalmia with brain and digit anomalies (MCOPS6). Also called: MICROPHTHALMIA AND PITUITARY ANOMALIES; Microphthalmia, syndromic 6. Identifiers: Orphanet 139471, MedGen C1864689, MONDO:0011936, OMIM 607932.

Allele frequency attached by ClinVar (database versions not stated): gnomAD 0.00021 and 0.00025; TOPMed 0.00035; 1000 Genomes Project 0.00060; 1000 Genomes Project 30x 0.00062.

Submissions (2):

Illumina Laboratory Services, Illumina
Classification: Likely benign for Orofacial cleft 11. Last evaluated: 2018-01-13. Review status: criteria provided, single submitter. Criteria: ICSL Variant Classification Criteria 13 December 2019. Collection method: clinical testing. Allele origin: germline.
Comment: This variant was observed in the ICSL laboratory as part of a predisposition screen in an ostensibly healthy population. It had not been previously curated by ICSL or reported in the Human Gene Mutation Database (HGMD: prior to June 1st, 2018), and was therefore a candidate for classification through an automated scoring system. Utilizing variant allele frequency, disease prevalence and penetrance estimates, and inheritance mode, an automated score was calculated to assess if this variant is too frequent to cause the disease. Based on the score and internal cut-off values, a variant classified as likely benign is not then subjected to further curation. The score for this variant resulted in a classification of likely benign for this disease.

Illumina Laboratory Services, Illumina
Classification: Benign for Microphthalmia with brain and digit anomalies. Last evaluated: 2018-01-13. Review status: criteria provided, single submitter. Criteria: ICSL Variant Classification Criteria 13 December 2019. Collection method: clinical testing. Allele origin: germline.
Comment: This variant was observed in the ICSL laboratory as part of a predisposition screen in an ostensibly healthy population. It had not been previously curated by ICSL or reported in the Human Gene Mutation Database (HGMD: prior to June 1st, 2018), and was therefore a candidate for classification through an automated scoring system. Utilizing variant allele frequency, disease prevalence and penetrance estimates, and inheritance mode, an automated score was calculated to assess if this variant is too frequent to cause the disease. Based on the score and internal cut-off values, a variant classified as benign is not then subjected to further curation. The score for this variant resulted in a classification of benign for this disease.